The following is an entry in ClinVar:

ClinVar aggregate classification (germline): Pathogenic (1 of 4 stars; one submission).

Conditions:
X-linked Emery-Dreifuss muscular dystrophy. Also called: Muscular dystrophy, tardive Emery-Dreifuss type, with contractures. Identifiers: Orphanet 261, Orphanet 98863, MedGen C0751337, MONDO:0010680.

Submission:

Institute Of Molecular Biology And Genetics, Federal Almazov National Medical Research Centre
Classification: Pathogenic for Emery-Dreifuss muscular dystrophy 1, X-linked. Last evaluated: 2021-03-20. Review status: criteria provided, single submitter. Criteria: ACMG Guidelines, 2015. Collection method: clinical testing. Allele origin: unknown. Affected: yes. Observed: 1 variant allele.
Comment: ACMG: PVS1, PM2, PP3

NM_000117.3(EMD):c.631del (p.Arg211fs)

Gene: EMD (emerin; plus strand). Cytogenetic location: Xq28.
Variant type: Deletion.
Coding change: c.631del on transcript NM_000117.3 (MANE Select); coding-DNA position 631, one base deleted (C; older notation c.631delC).
Protein change: p.Arg211fs; shifts the reading frame from arginine 211.
Molecular consequence: frameshift variant.
Genome position (GRCh38, 1-based): chrX:154,381,063, C deleted; the last of 2 consecutive C bases (chrX:154,381,062-154,381,063); deleting either gives the same sequence. VCF-style (leftmost placement, unchanged base first): chrX-154381061-AC-A. GRCh37 (hg19) VCF-style: chrX-153609421-AC-A.
Other names: c.631delC (NM_000117.3); short protein forms R211fs.
Identifiers: ClinVar variation 1048786 (VCV001048786.2), dbSNP rs2148128957, ClinGen allele CA2499226499.